The following is an entry in ClinVar:

Conditions:
Breast-ovarian cancer, familial, susceptibility to, 1 (BROVCA1). Also called: BRCA1 Hereditary Breast and Ovarian Cancer; OVARIAN CANCER, SUSCEPTIBILITY TO. Identifiers: Orphanet 145, MedGen C2676676, MONDO:0011450, OMIM 604370. Disease mechanism: loss of function.

Submission:

Brotman Baty Institute, University of Washington
No classification provided (evidence only). Condition: Breast-ovarian cancer, familial 1. Review status: no classification provided. Collection method: in vitro. Allele origin: not applicable. Functional consequence: functionally_normal.
ClinVar note: "not provided" was previously submitted as the classification for the variant. However, the classification appeared to be based only on an observation of functional data so it was converted to no classification on 2025-07-30.

NM_007294.4(BRCA1):c.5153-30T>A

Gene: BRCA1 (BRCA1 DNA repair associated; minus strand). Cytogenetic location: 17q21.31.
Variant type: single nucleotide variant.
Coding change: c.5153-30T>A on transcript NM_007294.4 (MANE Select); 30 bases into the intron before coding-DNA position 5153, T replaced by A.
Molecular consequence: intron variant.
Genome position (GRCh38, 1-based): chr17:43,063,403, A>T on the plus strand (T>A on the coding strand, the complement: BRCA1 is on the minus strand). VCF-style: chr17-43063403-A-T. GRCh37 (hg19) VCF-style: chr17-41215420-A-T.
Other names: c.1700-30T>A (NM_001408458.1, NM_001408461.1, NM_001408464.1 and 7 more transcripts); c.4262-30T>A (NM_001407967.1); c.4772-30T>A (NM_001407959.1); c.4886-30T>A (NM_001407931.1, NM_001407932.1, NM_001407928.1 and 4 more transcripts); c.5009-30T>A (NM_001407747.1, NM_001407745.1, NM_001407737.1 and 21 more transcripts); c.4769-30T>A (NM_001407962.1, NM_001407960.1); c.1340-30T>A (NM_001408512.1); c.1463-30T>A (NM_001408510.1); and 72 more.
Identifiers: ClinVar variation 865039 (VCV000865039.3), dbSNP rs2051879345, ClinGen allele CA916080113.